The following is an entry in ClinVar:

ClinVar aggregate classification (germline): Uncertain significance (1 of 4 stars; one submission).

Allele frequency attached by ClinVar (database versions not stated): gnomAD exomes below 0.00001.
gnomAD v4.1: 4 of 1,608,334 alleles (0.00025%); highest among the groups gnomAD compares: Non-Finnish European, 0.00034%; no homozygotes.

Submission:

Ambry Genetics
Classification: Uncertain significance. Last evaluated: 2023-12-10. Review status: criteria provided, single submitter. Criteria: Ambry Variant Classification Scheme 2023. Collection method: clinical testing. Allele origin: germline.
Comment: The p.P1479L variant (also known as c.4436C>T), located in coding exon 16 of the POLQ gene, results from a C to T substitution at nucleotide position 4436. The proline at codon 1479 is replaced by leucine, an amino acid with similar properties. This amino acid position is conserved. In addition, this alteration is predicted to be tolerated by in silico analysis. Since supporting evidence is limited at this time, the clinical significance of this alteration remains unclear.

NM_199420.4(POLQ):c.4436C>T (p.Pro1479Leu)

Gene: POLQ (DNA polymerase theta; minus strand). Cytogenetic location: 3q13.33.
Variant type: single nucleotide variant.
Coding change: c.4436C>T on transcript NM_199420.4 (MANE Select); coding-DNA position 4436, C replaced by T.
Protein change: p.Pro1479Leu; replaces proline 1479 with leucine.
Molecular consequence: missense variant.
Genome position (GRCh38, 1-based): chr3:121,488,495, G>A on the plus strand (C>T on the coding strand, the complement: POLQ is on the minus strand). VCF-style: chr3-121488495-G-A. GRCh37 (hg19) VCF-style: chr3-121207342-G-A.
Other names: short protein forms P1479L.
Identifiers: ClinVar variation 3230000 (VCV003230000.1), dbSNP rs1257074919, ClinGen allele CA354095157.